The following is an entry in ClinVar:

ClinVar aggregate classification (germline): Likely benign (1 of 4 stars; one submission).

Allele frequency attached by ClinVar (database versions not stated): gnomAD exomes 0.00001; ExAC 0.00002.
gnomAD v4.1: 8 of 1,613,908 alleles (0.0005%); highest among the groups gnomAD compares: South Asian, 0.0044%; no homozygotes.

Submission:

CeGaT Center for Human Genetics Tuebingen
Classification: Likely benign. Last evaluated: 2022-11-01. Review status: criteria provided, single submitter. Criteria: CeGaT Center For Human Genetics Tuebingen Variant Classification Criteria Version 2. Collection method: clinical testing. Allele origin: germline. Affected: yes. Observed: 1 variant allele.
Comment: SMARCC2: BP4, BP7

NM_001330288.2(SMARCC2):c.1626G>A (p.Val542=)

Gene: SMARCC2 (SWI/SNF related BAF chromatin remodeling complex subunit C2; minus strand). Cytogenetic location: 12q13.2.
Variant type: single nucleotide variant.
Coding change: c.1626G>A on transcript NM_001330288.2 (MANE Select); coding-DNA position 1626, G replaced by A.
Protein change: p.Val542=; no amino-acid change (valine 542 retained).
Molecular consequence: synonymous variant.
Genome position (GRCh38, 1-based): chr12:56,173,720, C>T on the plus strand (G>A on the coding strand, the complement: SMARCC2 is on the minus strand). VCF-style: chr12-56173720-C-T. GRCh37 (hg19) VCF-style: chr12-56567504-C-T.
Other names: c.1626G>A, p.Val542= (NM_001130420.3, NM_003075.5, NM_139067.4).
Identifiers: ClinVar variation 2643078 (VCV002643078.24), dbSNP rs764865625, ClinGen allele CA6625999.